The following is an entry in ClinVar:

ClinVar aggregate classification (germline): Uncertain significance (1 of 4 stars; one submission).

gnomAD v4.1: 4 of 1,607,468 alleles (0.00025%); no homozygotes.

Submission:

Ambry Genetics
Classification: Uncertain significance. Last evaluated: 2025-02-22. Review status: criteria provided, single submitter. Criteria: Ambry Variant Classification Scheme 2023. Collection method: clinical testing. Allele origin: germline.
Comment: The p.G1160D variant (also known as c.3479G>A), located in coding exon 14 of the WNK2 gene, results from a G to A substitution at nucleotide position 3479. The glycine at codon 1160 is replaced by aspartic acid, an amino acid with similar properties. This amino acid position is conserved. In addition, the in silico prediction for this alteration is inconclusive. Based on the available evidence, the clinical significance of this variant remains unclear.

NM_006648.4(WNK2):c.3479G>A (p.Gly1160Asp)

Gene: WNK2 (WNK lysine deficient protein kinase 2; plus strand). Cytogenetic location: 9q22.31.
Variant type: single nucleotide variant.
Coding change: c.3479G>A on transcript NM_006648.4 (MANE Select); coding-DNA position 3479, G replaced by A.
Protein change: p.Gly1160Asp; replaces glycine 1160 with aspartic acid.
Molecular consequence: missense variant.
Genome position (GRCh38, 1-based): chr9:93,263,634, G>A. VCF-style: chr9-93263634-G-A. GRCh37 (hg19) VCF-style: chr9-96025916-G-A.
Other names: c.3479G>A, p.Gly1160Asp (NM_001282394.3); short protein forms G1160D.
Identifiers: ClinVar variation 3333164 (VCV003333164.2).